The following is an entry in ClinVar:

ClinVar aggregate classification (germline): Pathogenic (1 of 4 stars; one submission).

Submission:

Athena Diagnostics
Classification: Pathogenic. Last evaluated: 2019-12-20. Review status: criteria provided, single submitter. Criteria: Athena Diagnostics Criteria. Collection method: clinical testing. Allele origin: unknown.
Comment: The variant results in a shift of the reading frame, and is therefore predicted to result in the loss of a functional protein. Found in at least one patient with expected phenotype for this gene, and not found in general population data.

NM_001127222.2(CACNA1A):c.3914_3936del (p.Gly1305fs)

Genes: CACNA1A (calcium voltage-gated channel subunit alpha1 A; minus strand), LOC126862865 (CDK7 strongly-dependent group 2 enhancer GRCh37_chr19:13385818-13387017; plus strand). Cytogenetic location: 19p13.13.
Variant type: Deletion.
Coding change: c.3914_3936del on transcript NM_001127222.2 (MANE Select); coding-DNA positions 3914 to 3936, 23 bases deleted (GTGCCTACTTCCGTGACCTCTGG).
Protein change: p.Gly1305fs; shifts the reading frame from glycine 1305.
Molecular consequence: frameshift variant.
Genome position (GRCh38, 1-based): chr19:13,275,903-13,275,925, CCAGAGGTCACGGAAGTAGGCAC deleted on the plus strand (GTGCCTACTTCCGTGACCTCTGG on the coding strand, the reverse complement: CACNA1A is on the minus strand); deleting any 23 consecutive bases within chr19:13,275,903-13,275,927 gives the same sequence; the c. name uses the placement nearest the transcript's 3' end. VCF-style (leftmost placement, unchanged base first): chr19-13275902-TCCAGAGGTCACGGAAGTAGGCAC-T. GRCh37 (hg19) VCF-style: chr19-13386716-TCCAGAGGTCACGGAAGTAGGCAC-T.
Other names: c.3926_3948del, p.Gly1309fs (NM_000068.4, NM_023035.3); c.3917_3939del, p.Gly1306fs (NM_001127221.2, NM_001174080.2); short protein forms G1305fs, G1306fs, G1309fs.
Identifiers: ClinVar variation 995017 (VCV000995017.1), dbSNP rs2057136334, ClinGen allele CA1139666315.